The following is an entry in ClinVar:

NM_000535.7(PMS2):c.1687C>T (p.Arg563Ter)

Gene: PMS2 (PMS1 homolog 2, mismatch repair system component; minus strand). Cytogenetic location: 7p22.1.
Variant type: single nucleotide variant.
Coding change: c.1687C>T on transcript NM_000535.7 (MANE Select); coding-DNA position 1687, C replaced by T.
Protein change: p.Arg563Ter; replaces arginine 563 with a stop codon.
Molecular consequence: nonsense. On other transcripts: non-coding transcript variant (1).
Genome position (GRCh38, 1-based): chr7:5,987,078, G>A on the plus strand (C>T on the coding strand, the complement: PMS2 is on the minus strand). VCF-style: chr7-5987078-G-A. GRCh37 (hg19) VCF-style: chr7-6026709-G-A.
Other names: c.1282C>T, p.Arg428Ter (NM_001322003.2, NM_001322004.2, NM_001322005.2 and 1 more transcripts); c.1531C>T, p.Arg511Ter (NM_001322006.2); c.1369C>T, p.Arg457Ter (NM_001322007.2, NM_001322008.2); c.1126C>T, p.Arg376Ter (NM_001322010.2); c.754C>T, p.Arg252Ter (NM_001322011.2, NM_001322012.2); c.1114C>T, p.Arg372Ter (NM_001322013.2); c.1687C>T, p.Arg563Ter (NM_001322014.2); c.1378C>T, p.Arg460Ter (NM_001322015.2); short protein forms R563*, R428*, R457*, R460*, R511*, R252*, R372*, R376*.
Identifiers: ClinVar variation 135067 (VCV000135067.55), dbSNP rs587778618, ClinGen allele CA010032.
Genomic context (GRCh38, chr7:5,987,078, plus strand): 5'-CTTCTTTTTTAAAACGCTTTGTGTTTGGGGTTGCGAGATTAGTTGGCTGAGGCAAAACTC[G>A]AAATTTACATCCGGTATCTTCCTGGTTTGAATGGCAGTCCACATCTGAAAAAGAGTCGTC-3'

ClinVar aggregate classification (germline): Pathogenic. Review status: criteria provided, multiple submitters, no conflicts (2 of 4 stars). 19 submissions from 19 submitters: Pathogenic (16). 3 of the submissions do not count toward it. Last evaluated 2026-02-26.

Conditions:
Mismatch repair cancer syndrome 4. Identifiers: MedGen C5436817, MONDO:0030843, OMIM 619101.
Lynch syndrome 4 (LYNCH4). Also called: Hereditary non-polyposis colorectal cancer, type 4; Colorectal cancer, hereditary nonpolyposis, type 4. Identifiers: Orphanet 144, MedGen C1838333, MONDO:0013699, OMIM 614337. Disease mechanism: loss of function.
Hereditary nonpolyposis colon cancer (HNPCC). Also called: Hereditary nonpolyposis colorectal cancer; Familial nonpolyposis colon cancer; Hereditary Nonpolyposis Colorectal Cancer Syndrome. Identifiers: Orphanet 443909, MedGen C1333990, MONDO:0018630. Disease mechanism: loss of function.
Inherited MMR deficiency (Lynch syndrome).
PMS2-related disorder. Also called: PMS2-related condition.
Hereditary nonpolyposis colorectal neoplasms. Identifiers: MedGen C0009405, MeSH D003123.
Hereditary cancer-predisposing syndrome. Also called: Tumor predisposition; Hereditary neoplastic syndrome; Hereditary Cancer Syndrome; Neoplastic Syndromes, Hereditary. Identifiers: Orphanet 140162, MedGen C0027672, MeSH D009386, MONDO:0015356.
Lynch syndrome. Identifiers: Orphanet 144, MedGen C4552100, MONDO:0005835. Disease mechanism: loss of function.
Carcinoma of colon (CRC). Also called: Colon carcinoma; Colonic carcinoma. Identifiers: MedGen C0699790, MONDO:0002032.

Submissions 1 to 8 of 19:

NHS Central & South Genomic Laboratory Hub
Classification: Pathogenic for Inherited MMR deficiency (Lynch syndrome). Last evaluated: 2026-02-26. Review status: criteria provided, single submitter. Criteria: ACMG Guidelines, 2015. Collection method: clinical testing. Allele origin: germline. Affected: yes.

Labcorp Genetics (formerly Invitae), Labcorp
Classification: Pathogenic for Hereditary nonpolyposis colorectal neoplasms. Last evaluated: 2026-01-19. Review status: criteria provided, single submitter. Criteria: Invitae Variant Classification Sherloc (09022015). Collection method: clinical testing. Allele origin: germline.
Comment: This sequence change creates a premature translational stop signal (p.Arg563*) in the PMS2 gene. It is expected to result in an absent or disrupted protein product. Loss-of-function variants in PMS2 are known to be pathogenic (PMID: 21376568, 24362816). This variant is present in population databases (rs587778618, gnomAD 0.01%). This premature translational stop signal has been observed in individual(s) with colorectal cancer, breast cancer and phenotypes consistent with autosomal recessive constitutional mismatch repair deficiency (CMMR-D) syndrome (PMID: 20205264, 22608206, 25856668). Invitae Evidence Modeling of clinical and family history, age, sex, and reported ancestry of multiple individuals with this PMS2 variant has been performed. This variant is expected to be pathogenic with a positive predictive value of at least 99%. This is a validated machine learning model that incorporates the clinical features of 1,627,235 individuals referred to our laboratory for PMS2 testing. ClinVar contains an entry for this variant (Variation ID: 135067). For these reasons, this variant has been classified as Pathogenic.

Ambry Genetics
Classification: Pathogenic for Hereditary cancer-predisposing syndrome. Last evaluated: 2025-05-20. Review status: criteria provided, single submitter. Criteria: Ambry Variant Classification Scheme 2023. Collection method: clinical testing. Allele origin: germline.
Comment: The c.1687C>T (p.R563*) alteration, located in exon 11 (coding exon 11) of the PMS2 gene, consists of a C to T substitution at nucleotide position 1687. This changes the amino acid from an arginine (R) to a stop codon at amino acid position 563. This alteration is expected to result in loss of function by premature protein truncation or nonsense-mediated mRNA decay. Based on data from gnomAD, the T allele has an overall frequency of 0.001% (2/251330) total alleles studied. The highest observed frequency was 0.012% (2/16190) of African alleles. This variant was also reported in the homozygous state in a pediatric patient with a personal history of AML and osteosarcoma (Ortiz, 2016). Additionally, this variant has been reported in several individuals with early-onset colorectal cancer whose tumors demonstrated absent PMS2 protein staining on immunohistochemistry (Goodenberger, 2016; Wang, 2020). Based on the available evidence, this alteration is classified as pathogenic.

Molecular Diagnostics Laboratory, Catalan Institute of Oncology
Classification: Pathogenic for Hereditary cancer-predisposing syndrome. Last evaluated: 2025-03-23. Review status: criteria provided, single submitter. Criteria: ClinGen CRC ACMG Specifications PMS2 V1.0.0. Collection method: clinical testing. Allele origin: germline.
Comment: PVS1, PM2_Supporting, PM3, PP4_Strong c.1687C>T, located in exon 11 of the PMS2 gene, is a nonsense variant expected to result in loss of function by premature protein truncation and nonsense-mediated mRNA decay (PVS1). This variant is found in 5/1614120 alleles at a frequency of 0,0003% in the gnomAD v4 database (PM2_Supporting). The SpliceAI algorithm predicts no significant impact on splicing. To our knowledge, no well-established functional studies have been reported for this variant. It has been reported in a homozygous state in CMMRD-suspected patients (PMID: 27082517, 20205264), as well as in a confirmed CMMRD patient with another PMS2 pathogenic variant in trans (PMID: 22608206) (PM3). It has been identified in multiple CRC-affected patients with isolated loss of PMS2 by IHC (PMID: 31992580, 25856668, and data from our internal cohort of patients) (PP4_Strong). This variant has been reported in the ClinVar database (14x pathogenic), in the LOVD database (2x pathogenic, 1x likely pathogenic) and has not been classified by InSiGHT. Based on currently available information, the variant c.1687C>T should be considered a pathogenic variant according to ClinGen CRC ACMG Specifications PMS2 v1.0.0.

Quest Diagnostics Nichols Institute San Juan Capistrano
Classification: Pathogenic. Last evaluated: 2025-01-13. Review status: criteria provided, single submitter. Criteria: Quest Diagnostics criteria. Collection method: clinical testing. Allele origin: unknown.
Comment: The PMS2 c.1687C>T (p.Arg563*) variant causes the premature termination of PMS2 protein synthesis. This variant has been reported in the published literature in individuals with Lynch syndrome or Lynch syndrome associated cancers (PMID: 37839795 (2023), 34994648 (2021), 31992580 (2020), 31857677 (2020), 30103829 (2018), 29478780 (2018), 25194673 (2014)), constitutional mismatch repair deficiency syndrome (PMID: 22608206 (2012), 21618646 (2011)), and breast cancer (PMID: 31650731 (2020), 31512090 (2019), 31336956 (2019)). The frequency of this variant in the general population (Genome Aggregation Database) is consistent with pathogenicity. Based on the available information, this variant is classified as pathogenic.

CeGaT Center for Human Genetics Tuebingen
Classification: Pathogenic. Last evaluated: 2025-01-01. Review status: criteria provided, single submitter. Criteria: CeGaT Center For Human Genetics Tuebingen Variant Classification Criteria Version 2. Collection method: clinical testing. Allele origin: germline. Affected: yes. Observed: 2 variant alleles.
Comment: PMS2: PVS1, PM2, PS4:Moderate

Color Diagnostics, LLC DBA Color Health
Classification: Pathogenic for Hereditary cancer-predisposing syndrome. Last evaluated: 2024-06-12. Review status: criteria provided, single submitter. Criteria: ACMG Guidelines, 2015. Collection method: clinical testing. Allele origin: germline.
Comment: This variant changes 1 nucleotide in exon 11 of the PMS2 gene, creating a premature translation stop signal. This variant is expected to result in an absent or non-functional protein product. This variant has been reported in individuals affected with Lynch syndrome (PMID: 31992580), breast and/or ovarian cancer (31512090, 31650731), and colorectal cancer (PMID: 25856668, 29478780, 31857677). This variant has also been reported in compound heterozygous individuals affected with constitutional mismatch repair deficiency (PMID: 21618646, 22608206). This variant has been identified in 2/251330 chromosomes in the general population by the Genome Aggregation Database (gnomAD). Loss of PMS2 function is a known mechanism of disease. Based on the available evidence, this variant is classified as Pathogenic.

Dasa
Classification: Pathogenic. Last evaluated: 2024-06-10. Review status: criteria provided, single submitter. Criteria: DASA Assertion Criteria. Collection method: clinical testing. Allele origin: germline.
Comment: NM_000535.7(PMS2):c.1687C>T (p.Arg563Ter) introduces a premature termination codon predicted to result in loss of normal protein function. Loss-of-function is an established mechanism of disease for this gene. Based on the available data, this variant is classified as pathogenic.